The following is an entry in ClinVar:

NM_004036.5(ADCY3):c.311A>G (p.Lys104Arg)

Gene: ADCY3 (adenylate cyclase 3; minus strand). Cytogenetic location: 2p23.3.
Variant type: single nucleotide variant.
Coding change: c.311A>G on transcript NM_004036.5 (MANE Select); coding-DNA position 311, A replaced by G.
Protein change: p.Lys104Arg; replaces lysine 104 with arginine.
Molecular consequence: missense variant.
Genome position (GRCh38, 1-based): chr2:24,918,677, T>C on the plus strand (A>G on the coding strand, the complement: ADCY3 is on the minus strand). VCF-style: chr2-24918677-T-C. GRCh37 (hg19) VCF-style: chr2-25141546-T-C.
Other names: c.311A>G, p.Lys104Arg (NM_001320613.2, NM_001377128.1, NM_001377129.1 and 2 more transcripts); short protein forms K104R.
Identifiers: ClinVar variation 4984178 (VCV004984178.1).

ClinVar aggregate classification (germline): Uncertain significance (1 of 4 stars; one submission).

Conditions:
ADCY3-related disorder. Also called: ADCY3-related condition.

gnomAD v4.1: 246 of 1,613,960 alleles (0.015%); highest among the groups gnomAD compares: Non-Finnish European, 0.02%; no homozygotes.

Submission:

PreventionGenetics, part of Exact Sciences
Classification: Uncertain significance for ADCY3-related condition. Last evaluated: 2026-03-26. Review status: criteria provided, single submitter. Criteria: ACMG Guidelines, 2015. Collection method: clinical testing. Allele origin: germline.
Comment: The ADCY3 c.311A>G variant is predicted to result in the amino acid substitution p.Lys104Arg. To our knowledge, this variant has not been reported in the literature. This variant is reported in 0.012% of alleles in individuals of European (Non-Finnish) descent in gnomAD. At this time, the clinical significance of this variant is uncertain due to the absence of conclusive functional and genetic evidence.